The following is an entry in ClinVar:

NM_020821.3(VPS13C):c.9667C>T (p.His3223Tyr)

Gene: VPS13C (vacuolar protein sorting 13 homolog C; minus strand). Cytogenetic location: 15q22.2.
Variant type: single nucleotide variant.
Coding change: c.9667C>T on transcript NM_020821.3 (MANE Select); coding-DNA position 9667, C replaced by T.
Protein change: p.His3223Tyr; replaces histidine 3223 with tyrosine.
Molecular consequence: missense variant.
Genome position (GRCh38, 1-based): chr15:61,881,786, G>A on the plus strand (C>T on the coding strand, the complement: VPS13C is on the minus strand). VCF-style: chr15-61881786-G-A. GRCh37 (hg19) VCF-style: chr15-62173985-G-A.
Other names: c.9667C>T, p.His3223Tyr (NM_001018088.3); c.9538C>T, p.His3180Tyr (NM_017684.5, NM_018080.4); short protein forms H3223Y, H3180Y.
Identifiers: ClinVar variation 2150410 (VCV002150410.4), dbSNP rs777789558, ClinGen allele CA7594578.

ClinVar aggregate classification (germline): Uncertain significance (1 of 4 stars; one submission).

Allele frequency attached by ClinVar (database versions not stated): TOPMed 0.00001; gnomAD 0.00002; ExAC 0.00003; gnomAD exomes 0.00016.
gnomAD v4.1: 224 of 1,606,960 alleles (0.014%); highest among the groups gnomAD compares: Non-Finnish European, 0.019%; no homozygotes.

Submission:

Labcorp Genetics (formerly Invitae), Labcorp
Classification: Uncertain significance. Last evaluated: 2022-07-13. Review status: criteria provided, single submitter. Criteria: Invitae Variant Classification Sherloc (09022015). Collection method: clinical testing. Allele origin: germline.
Comment: In summary, the available evidence is currently insufficient to determine the role of this variant in disease. Therefore, it has been classified as a Variant of Uncertain Significance. Algorithms developed to predict the effect of missense changes on protein structure and function (SIFT, PolyPhen-2, Align-GVGD) all suggest that this variant is likely to be tolerated. This variant has not been reported in the literature in individuals affected with VPS13C-related conditions. This variant is present in population databases (rs777789558, gnomAD 0.005%). This sequence change replaces histidine, which is basic and polar, with tyrosine, which is neutral and polar, at codon 3223 of the VPS13C protein (p.His3223Tyr).